The following is an entry in ClinVar:

NM_000492.4(CFTR):c.1766+2T>C

Gene: CFTR (CF transmembrane conductance regulator; plus strand). Cytogenetic location: 7q31.2.
Variant type: single nucleotide variant.
Coding change: c.1766+2T>C on transcript NM_000492.4 (MANE Select); the canonical splice donor site of the intron after coding-DNA position 1766, T replaced by C.
Molecular consequence: splice donor variant.
Genome position (GRCh38, 1-based): chr7:117,590,441, T>C. VCF-style: chr7-117590441-T-C. GRCh37 (hg19) VCF-style: chr7-117230495-T-C.
Identifiers: ClinVar variation 558608 (VCV000558608.7), dbSNP rs1554389062, ClinGen allele CA368977305.

ClinVar aggregate classification (germline): Pathogenic. Review status: criteria provided, multiple submitters, no conflicts (2 of 4 stars). 6 submissions from 6 submitters: Pathogenic (5). 1 of the submissions does not count toward it. Last evaluated 2025-12-18.

Conditions:
Cystic fibrosis (CF). Also called: MUCOVISCIDOSIS. Identifiers: Orphanet 586, MedGen C0010674, MONDO:0009061, OMIM 219700. Disease mechanism: loss of function.
Bronchiectasis with or without elevated sweat chloride 1 (BESC1). Also called: Cystic Fibrosis-Like Syndrome. Identifiers: Orphanet 60033, MedGen C2749757, MONDO:0008887, OMIM 211400.
CFTR-related disorder (CFTR-RD). Also called: CFTR-related disorders; CFTR-related condition. Identifiers: MedGen C5924204, MONDO:7770004.

Allele frequency attached by ClinVar (database versions not stated): gnomAD exomes below 0.00001.
gnomAD v4.1: 1 of 1,600,210 alleles (0.000062%); highest among the groups gnomAD compares: South Asian, 0.0011%; no homozygotes.

Submissions (6):

3billion
Classification: Pathogenic for Cystic fibrosis. Last evaluated: 2025-12-18. Review status: criteria provided, single submitter. Criteria: ACMG Guidelines, 2015. Collection method: clinical testing. Allele origin: germline. Affected: yes.
Comment: The variant is observed at an extremely low frequency in the gnomAD v4.1.0 dataset (total allele frequency: <0.001%). Predicted Consequence/Location: Canonical splice site: predicted to alter splicing and result in a loss or disruption of normal protein function. Multiple pathogenic loss-of-function variants are reported downstream of the variant. In silico tools predict the variant to alter splicing and produce an abnormal transcript [SpliceAI: 0.91 (spliceogenicity >=0.2, non-spliceogenicity <0.1)]. The variant has been reported to be in trans with a pathogenic variant as either compound heterozygous or homozygous in at least one similarly affected unrelated individual (3billion dataset). The variant has been reported at least twice as pathogenic with clinical assertions and evidence for the classification (ClinVar ID: VCV000558608 /PMID: 20052365 /3billion dataset). Therefore, this variant is classified as Pathogenic according to the recommendation of ACMG/AMP guideline.

Natera, Inc.
Classification: Pathogenic for CFTR-related disorders. Last evaluated: 2025-08-05. Review status: criteria provided, single submitter. Criteria: Natera Variant Classification Schema (03/2026). Collection method: clinical testing. Allele origin: germline.
Comment: The c.1766+2T>C variant in CFTR is a canonical splice donor site variant predicted to affect pre-mRNA splicing, which may result in an abnormal transcript and altered protein product. This variant is expected to result in nonsense mediated decay, truncation, or a dysfunctional protein product. This variant is rare in the general population with a frequency below the threshold expected for the associated phenotype(s). This variant has been observed in one or more individuals affected with the associated recessive disease, as either homozygous or compound heterozygous with a second variant (PMID: 35858753). Another variant at this same site results in an alteration predicted to cause a similar molecular effect has been observed in individual(s) with the associated phenotype. Given the available evidence, this variant is classified as Pathogenic.

Baylor Genetics
Classification: Pathogenic for Bronchiectasis with or without elevated sweat chloride 1. Last evaluated: 2024-02-12. Review status: criteria provided, single submitter. Criteria: ACMG Guidelines, 2015. Collection method: clinical testing. Allele origin: unknown.

Women's Health and Genetics/Laboratory Corporation of America, LabCorp
Classification: Pathogenic for Cystic fibrosis. Last evaluated: 2023-04-13. Review status: criteria provided, single submitter. Criteria: LabCorp Variant Classification Summary - May 2015. Collection method: clinical testing. Allele origin: germline.
Comment: Variant summary: CFTR c.1766+2T>C is located in a canonical splice-site and is predicted to affect mRNA splicing resulting in a significantly altered protein due to either exon skipping, shortening, or inclusion of intronic material. Several computational tools predict a significant impact on normal splicing: Two predict the variant abolishes a 5 splicing donor site. However, these predictions have yet to be confirmed by functional studies. The variant was absent in 249234 control chromosomes (gnomAD). c.1766+2T>C has been reported in the literature in compound heterozygous individuals affected with Cystic Fibrosis (Choe_2009, Maclean_2011, Petrova_2019, Erdoan_2021). These data indicate that the variant is likely to be associated with disease. To our knowledge, no experimental evidence demonstrating an impact on protein function has been reported. Two ClinVar submitters (evaluation after 2014) cite this variant pathogenic and likely pathogenic. Based on the evidence outlined above, the variant was classified as pathogenic.

Johns Hopkins Genomics, Johns Hopkins University
Classification: Pathogenic for Cystic fibrosis. Last evaluated: 2019-10-16. Review status: criteria provided, single submitter. Criteria: ACMG Guidelines, 2015. Collection method: clinical testing. Allele origin: germline.
Comment: This CFTR variant has been identified in a patients with cystic fibrosis who also have a second disease-causing CFTR variant. It is absent from large population databases. This variant destroys the canonical splice donor site of exon 13 (legacy exon 12) and is predicted to cause abnormal gene splicing. We consider this variant to be pathogenic.

Counsyl
Classification: Likely pathogenic for Cystic fibrosis. Last evaluated: 2018-06-05. Review status: no assertion criteria provided. Collection method: clinical testing. Allele origin: unknown. Not counted in ClinVar's aggregate classification.

Literature cited by the submitters: PubMed 20052365 (cited by 3billion and Women's Health and Genetics/Laboratory Corporation of America, LabCorp); PubMed 35858753 (cited by Natera, Inc.); PubMed 21779199 (cited by Women's Health and Genetics/Laboratory Corporation of America, LabCorp and Counsyl); PubMed 22362925 (cited by Women's Health and Genetics/Laboratory Corporation of America, LabCorp); PubMed 25525159 (cited by Women's Health and Genetics/Laboratory Corporation of America, LabCorp); PubMed 30548586 (cited by Women's Health and Genetics/Laboratory Corporation of America, LabCorp); PubMed 34860163 (cited by Women's Health and Genetics/Laboratory Corporation of America, LabCorp); PubMed 21536503 (cited by Women's Health and Genetics/Laboratory Corporation of America, LabCorp).